The following is an entry in ClinVar:

ClinVar aggregate classification (germline): Uncertain significance. Review status: criteria provided, multiple submitters, no conflicts (2 of 4 stars). 2 submissions from 2 submitters: Uncertain significance (2). Last evaluated 2024-11-18.

Conditions:
Inborn genetic diseases. Identifiers: MedGen C0950123, MeSH D030342.

Allele frequency attached by ClinVar (database versions not stated): ExAC 0.00002; gnomAD 0.00002; TOPMed 0.00003; gnomAD exomes 0.00004; ESP Exome Variant Server 0.00008.
gnomAD v4.1: 57 of 1,613,698 alleles (0.0035%); highest among the groups gnomAD compares: Non-Finnish European, 0.0048%; no homozygotes.

Submissions (2):

Labcorp Genetics (formerly Invitae), Labcorp
Classification: Uncertain significance. Last evaluated: 2024-11-18. Review status: criteria provided, single submitter. Criteria: Invitae Variant Classification Sherloc (09022015). Collection method: clinical testing. Allele origin: germline.
Comment: This sequence change replaces lysine, which is basic and polar, with arginine, which is basic and polar, at codon 315 of the ANXA11 protein (p.Lys315Arg). This variant is present in population databases (rs372493671, gnomAD 0.004%). This variant has not been reported in the literature in individuals affected with ANXA11-related conditions. ClinVar contains an entry for this variant (Variation ID: 2593763). An algorithm developed to predict the effect of missense changes on protein structure and function (PolyPhen-2) suggests that this variant is likely to be tolerated. In summary, the available evidence is currently insufficient to determine the role of this variant in disease. Therefore, it has been classified as a Variant of Uncertain Significance.

Ambry Genetics
Classification: Uncertain significance for Inborn genetic diseases. Last evaluated: 2023-08-04. Review status: criteria provided, single submitter. Criteria: Ambry Variant Classification Scheme 2023. Collection method: clinical testing. Allele origin: germline.

NM_145868.2(ANXA11):c.944A>G (p.Lys315Arg)

Gene: ANXA11 (annexin A11; minus strand). Cytogenetic location: 10q22.3.
Variant type: single nucleotide variant.
Coding change: c.944A>G on transcript NM_145868.2 (MANE Select); coding-DNA position 944, A replaced by G.
Protein change: p.Lys315Arg; replaces lysine 315 with arginine.
Molecular consequence: missense variant.
Genome position (GRCh38, 1-based): chr10:80,164,058, T>C on the plus strand (A>G on the coding strand, the complement: ANXA11 is on the minus strand). VCF-style: chr10-80164058-T-C. GRCh37 (hg19) VCF-style: chr10-81923814-T-C.
Other names: c.944A>G, p.Lys315Arg (NM_001157.3, NM_001278407.2, NM_001278408.2 and 1 more transcripts); c.845A>G, p.Lys282Arg (NM_001278409.2); short protein forms K282R, K315R.
Identifiers: ClinVar variation 2593763 (VCV002593763.4), dbSNP rs372493671, ClinGen allele CA5576022.